The following is an entry in ClinVar:

ClinVar aggregate classification (germline): Likely benign (1 of 4 stars; one submission).

Conditions:
KSR2-related disorder. Also called: KSR2-related condition.

gnomAD v4.1: 4 of 1,613,752 alleles (0.00025%); highest among the groups gnomAD compares: Non-Finnish European, 0.00034%; no homozygotes.

Submission:

PreventionGenetics, part of Exact Sciences
Classification: Likely benign for KSR2-related condition. Last evaluated: 2025-03-06. Review status: criteria provided, single submitter. Criteria: ACMG Guidelines, 2015. Collection method: clinical testing. Allele origin: germline.
Comment: This variant is classified as likely benign based on ACMG/AMP sequence variant interpretation guidelines (Richards et al. 2015 PMID: 25741868, with internal and published modifications).

NM_173598.6(KSR2):c.270C>T (p.Pro90=)

Gene: KSR2 (kinase suppressor of ras 2; minus strand). Cytogenetic location: 12q24.23.
Variant type: single nucleotide variant.
Coding change: c.270C>T on transcript NM_173598.6 (MANE Select); coding-DNA position 270, C replaced by T.
Protein change: p.Pro90=; no amino-acid change (proline 90 retained).
Molecular consequence: synonymous variant.
Genome position (GRCh38, 1-based): chr12:117,860,342, G>A on the plus strand (C>T on the coding strand, the complement: KSR2 is on the minus strand). VCF-style: chr12-117860342-G-A. GRCh37 (hg19) VCF-style: chr12-118298147-G-A.
Identifiers: ClinVar variation 4984547 (VCV004984547.1).